The following is an entry in ClinVar:

NM_001853.4(COL9A3):c.183+3G>A

Gene: COL9A3 (collagen type IX alpha 3 chain; plus strand). Cytogenetic location: 20q13.33.
Variant type: single nucleotide variant.
Coding change: c.183+3G>A on transcript NM_001853.4 (MANE Select); 3 bases into the intron after coding-DNA position 183, G replaced by A.
Molecular consequence: intron variant.
Genome position (GRCh38, 1-based): chr20:62,818,556, G>A. VCF-style: chr20-62818556-G-A. GRCh37 (hg19) VCF-style: chr20-61449908-G-A.
Identifiers: ClinVar variation 4760029 (VCV004760029.1).

ClinVar aggregate classification (germline): Uncertain significance (1 of 4 stars; one submission).

gnomAD v4.1: 1 of 1,612,818 alleles (0.000062%); highest among the groups gnomAD compares: South Asian, 0.0011%; no homozygotes.

Submission:

Labcorp Genetics (formerly Invitae), Labcorp
Classification: Uncertain significance. Last evaluated: 2025-05-21. Review status: criteria provided, single submitter. Criteria: Invitae Variant Classification Sherloc (09022015). Collection method: clinical testing. Allele origin: germline.
Comment: This sequence change falls in intron 3 of the COL9A3 gene. It does not directly change the encoded amino acid sequence of the COL9A3 protein. It affects a nucleotide within the consensus splice site. This variant is present in population databases (no rsID available, gnomAD 0.003%). This variant has not been reported in the literature in individuals affected with COL9A3-related conditions. Variants that disrupt the consensus splice site are a relatively common cause of aberrant splicing (PMID: 17576681, 9536098). Algorithms developed to predict the effect of sequence changes on RNA splicing suggest that this variant is not likely to affect RNA splicing. In summary, the available evidence is currently insufficient to determine the role of this variant in disease. Therefore, it has been classified as a Variant of Uncertain Significance.

Literature cited by the submitters: PubMed 17576681; PubMed 9536098.